The following is an entry in ClinVar:

ClinVar aggregate classification (germline): Uncertain significance (1 of 4 stars; one submission).

Submission:

GeneDx
Classification: Uncertain significance. Last evaluated: 2026-02-19. Review status: criteria provided, single submitter. Criteria: GeneDx Variant Classification Process June 2021. Collection method: clinical testing. Allele origin: germline.
Comment: Not observed at significant frequency in large population cohorts (gnomAD); Frameshift variant predicted to result in protein truncation or nonsense mediated decay in a gene or region of a gene for which loss of function is not a well-established mechanism of disease; Has not been previously published as pathogenic or benign to our knowledge

NM_018896.5(CACNA1G):c.89_105del (p.Gly30fs)

Genes: CACNA1G (calcium voltage-gated channel subunit alpha1 G; plus strand), CACNA1G-AS1 (CACNA1G antisense RNA 1; minus strand). Cytogenetic location: 17q21.33.
Variant type: Deletion.
Coding change: c.89_105del on transcript NM_018896.5 (MANE Select); coding-DNA positions 89 to 105, 17 bases deleted (GCCGGCCGGGGCCGGGG).
Protein change: p.Gly30fs; shifts the reading frame from glycine 30.
Molecular consequence: frameshift variant. On other transcripts: non-coding transcript variant (5).
Genome position (GRCh38, 1-based): chr17:50,561,548-50,561,564, GCCGGCCGGGGCCGGGG deleted; deleting any 17 consecutive bases within chr17:50,561,538-50,561,564 gives the same sequence; the c. name uses the placement nearest the transcript's 3' end. VCF-style (leftmost placement, unchanged base first): chr17-50561537-GGGGGCCGGGGGCCGGCC-G. GRCh37 (hg19) VCF-style: chr17-48638898-GGGGGCCGGGGGCCGGCC-G.
Other names: c.89_105del, p.Gly30fs (NM_001256324.2, NM_001256325.2, NM_001256326.2 and 24 more transcripts); short protein forms G30fs.
Identifiers: ClinVar variation 4976525 (VCV004976525.1).